The following is an entry in ClinVar:

NM_181882.3(PRX):c.717G>T (p.Pro239=)

Gene: PRX (periaxin; minus strand). Cytogenetic location: 19q13.2.
Variant type: single nucleotide variant.
Coding change: c.717G>T on transcript NM_181882.3 (MANE Select); coding-DNA position 717, G replaced by T.
Protein change: p.Pro239=; no amino-acid change (proline 239 retained).
Molecular consequence: synonymous variant. On other transcripts: 3 prime UTR variant (1).
Genome position (GRCh38, 1-based): chr19:40,397,635, C>A on the plus strand (G>T on the coding strand, the complement: PRX is on the minus strand). VCF-style: chr19-40397635-C-A. GRCh37 (hg19) VCF-style: chr19-40903542-C-A.
Other names: p.Pro239=; c.*922G>T (NM_020956.2).
Identifiers: ClinVar variation 695271 (VCV000695271.14), dbSNP rs761293957, ClinGen allele CA9444393.

ClinVar aggregate classification (germline): Likely benign. Review status: criteria provided, multiple submitters, no conflicts (2 of 4 stars). 4 submissions from 4 submitters: Likely benign (4). Last evaluated 2026-05-12.

Conditions:
PRX-related disorder. Also called: PRX-related condition; PRX-Related Disorders.
Charcot-Marie-Tooth disease. Also called: Charcot-Marie-Tooth Hereditary Neuropathy; Charcot-Marie-Tooth Neuropathy. Identifiers: Orphanet 166, MedGen C0007959, MONDO:0015626.
Charcot-Marie-Tooth disease type 4. Also called: Charcot-Marie-Tooth disease, type IV; Charcot-Marie-Tooth, Type 4. Identifiers: Orphanet 64749, MedGen C4082197, MONDO:0018995.

Allele frequency attached by ClinVar (database versions not stated): TOPMed 0.00004; ExAC 0.00008; 1000 Genomes Project 30x 0.00016.
gnomAD v4.1: 170 of 1,543,878 alleles (0.011%); highest among the groups gnomAD compares: East Asian, 0.18%; 1 homozygote.

Submissions (4):

PreventionGenetics, part of Exact Sciences
Classification: Likely benign for PRX-related condition. Last evaluated: 2026-05-12. Review status: criteria provided, single submitter. Criteria: ACMG Guidelines, 2015. Collection method: clinical testing. Allele origin: germline.
Comment: This variant is classified as likely benign based on ACMG/AMP sequence variant interpretation guidelines (Richards et al. 2015 PMID: 25741868, with internal and published modifications).

Labcorp Genetics (formerly Invitae), Labcorp
Classification: Likely benign for Charcot-Marie-Tooth disease type 4. Last evaluated: 2025-10-26. Review status: criteria provided, single submitter. Criteria: Invitae Variant Classification Sherloc (09022015). Collection method: clinical testing. Allele origin: germline.

Mayo Clinic Laboratories, Mayo Clinic
Classification: Likely benign. Last evaluated: 2025-07-17. Review status: criteria provided, single submitter. Criteria: ACMG Guidelines, 2015. Collection method: clinical testing. Allele origin: germline. Observed: 1 variant allele.
Comment: BP4, BP7

Molecular Genetics Laboratory, London Health Sciences Centre
Classification: Likely benign for Charcot-Marie-Tooth disease. Review status: criteria provided, single submitter. Criteria: ACMG Guidelines, 2015. Collection method: clinical testing. Allele origin: germline. Affected: yes.